The following is an entry in ClinVar:

ClinVar aggregate classification (germline): Uncertain significance (1 of 4 stars; one submission).

Conditions:
Inborn genetic diseases. Identifiers: MedGen C0950123, MeSH D030342.

Allele frequency attached by ClinVar (database versions not stated): gnomAD exomes below 0.00001; gnomAD 0.00001; TOPMed 0.00001.
gnomAD v4.1: 3 of 1,613,798 alleles (0.00019%); highest among the groups gnomAD compares: Non-Finnish European, 0.00025%; no homozygotes.

Submission:

Ambry Genetics
Classification: Uncertain significance for Inborn genetic diseases. Last evaluated: 2022-04-22. Review status: criteria provided, single submitter. Criteria: Ambry Variant Classification Scheme 2023. Collection method: clinical testing. Allele origin: germline.
Comment: The p.N1565D variant (also known as c.4693A>G), located in coding exon 27 of the ATR gene, results from an A to G substitution at nucleotide position 4693. The asparagine at codon 1565 is replaced by aspartic acid, an amino acid with highly similar properties. This amino acid position is conserved. In addition, this alteration is predicted to be tolerated by in silico analysis. Since supporting evidence is limited at this time, the clinical significance of this alteration remains unclear.

NM_001184.4(ATR):c.4693A>G (p.Asn1565Asp)

Gene: ATR (ATR checkpoint kinase; minus strand). Cytogenetic location: 3q23.
Variant type: single nucleotide variant.
Coding change: c.4693A>G on transcript NM_001184.4 (MANE Select); coding-DNA position 4693, A replaced by G.
Protein change: p.Asn1565Asp; replaces asparagine 1565 with aspartic acid.
Molecular consequence: missense variant.
Genome position (GRCh38, 1-based): chr3:142,512,419, T>C on the plus strand (A>G on the coding strand, the complement: ATR is on the minus strand). VCF-style: chr3-142512419-T-C. GRCh37 (hg19) VCF-style: chr3-142231261-T-C.
Other names: c.4501A>G, p.Asn1501Asp (NM_001354579.2); short protein forms N1501D, N1565D.
Identifiers: ClinVar variation 1742490 (VCV001742490.2), dbSNP rs1005423503, ClinGen allele CA84718555.
Genomic context (GRCh38, chr3:142,512,419, plus strand): 5'-GCATGGAGAACACAGTCTGTGTACTGAGTTGACACAGATCAGATGCAATGTCTTGGGTAT[T>C]TATGGTATGCTGATCGTCATGCTTTAGAACTGCCATAATTTCTGCATAAACCTATGAGAA-3'
Protein context (NP_001175.2, residues 1555-1575): VLKHDDQHTI[Asn1565Asp]TQDIASDLCQ